The following is an entry in ClinVar:

NM_000077.5(CDKN2A):c.413G>C (p.Arg138Thr)

Gene: CDKN2A (cyclin dependent kinase inhibitor 2A; minus strand). Cytogenetic location: 9p21.3.
Variant type: single nucleotide variant.
Coding change: c.413G>C on transcript NM_000077.5; coding-DNA position 413, G replaced by C.
Protein change: p.Arg138Thr; replaces arginine 138 with threonine.
Molecular consequence: missense variant (on NM_000077.6). On other transcripts: 3 prime UTR variant (2).
Genome position (GRCh38, 1-based): chr9:21,970,946, C>G on the plus strand (G>C on the coding strand, the complement: CDKN2A is on the minus strand). VCF-style: chr9-21970946-C-G. GRCh37 (hg19) VCF-style: chr9-21970945-C-G.
Other names: c.413G>C, p.Arg138Thr (NM_000077.6, NM_001195132.2); c.260G>C, p.Arg87Thr (NM_001363763.2); c.*57G>C (NM_058195.4); c.*336G>C (NM_058197.5); short protein forms R138T, R87T.
Identifiers: ClinVar variation 1738148 (VCV001738148.8), dbSNP rs1819684763, ClinGen allele CA373085890.
Genomic context (GRCh38, chr9:21,970,946, plus strand): 5'-GATCATCAGTCCTCACCTGAGGGACCTTCCGCGGCATCTATGCGGGCATGGTTACTGCCT[C>G]TGGTGCCCCCCGCAGCCGCGCGCAGGTACCGTGCGACATCGCGATGGCCCAGCTCCTCAG-3'
Protein context (NP_000068.1, residues 128-148): RYLRAAAGGT[Arg138Thr]GSNHARIDAA

ClinVar aggregate classification (germline): Uncertain significance. Review status: criteria provided, multiple submitters, no conflicts (2 of 4 stars). 2 submissions from 2 submitters: Uncertain significance (2). Last evaluated 2024-10-21.

Conditions:
Familial melanoma. Also called: Hereditary cutaneous melanoma; Hereditary melanoma. Identifiers: Orphanet 618, MedGen C1512419, MONDO:0018961.
Hereditary cancer-predisposing syndrome. Also called: Hereditary Cancer Syndrome; Hereditary neoplastic syndrome; Neoplastic Syndromes, Hereditary; Tumor predisposition. Identifiers: Orphanet 140162, MedGen C0027672, MeSH D009386, MONDO:0015356.

Submissions (2):

Labcorp Genetics (formerly Invitae), Labcorp
Classification: Uncertain significance for Familial melanoma. Last evaluated: 2024-10-21. Review status: criteria provided, single submitter. Criteria: Invitae Variant Classification Sherloc (09022015). Collection method: clinical testing. Allele origin: germline.
Comment: This sequence change replaces arginine, which is basic and polar, with threonine, which is neutral and polar, at codon 138 of the CDKN2A (p16INK4a) protein (p.Arg138Thr). This variant is not present in population databases (gnomAD no frequency). This variant has not been reported in the literature in individuals affected with CDKN2A (p16INK4a)-related conditions. ClinVar contains an entry for this variant (Variation ID: 1738148). An algorithm developed to predict the effect of missense changes on protein structure and function outputs the following: PolyPhen-2: "Benign". The threonine amino acid residue is found in multiple mammalian species, which suggests that this missense change does not adversely affect protein function. In summary, the available evidence is currently insufficient to determine the role of this variant in disease. Therefore, it has been classified as a Variant of Uncertain Significance.

Ambry Genetics
Classification: Uncertain significance for Hereditary cancer-predisposing syndrome. Last evaluated: 2023-09-06. Review status: criteria provided, single submitter. Criteria: Ambry Variant Classification Scheme 2023. Collection method: clinical testing. Allele origin: germline.
Comment: The p.R138T variant (also known as c.413G>C), located in coding exon 2 of the CDKN2A gene, results from a G to C substitution at nucleotide position 413. The arginine at codon 138 is replaced by threonine, an amino acid with similar properties. This amino acid position is poorly conserved in available vertebrate species. In addition, this alteration is predicted to be tolerated by in silico analysis. Since supporting evidence is limited at this time, the clinical significance of this alteration remains unclear.